The following is an entry in ClinVar:

ClinVar aggregate classification (germline): Benign/Likely benign. Review status: criteria provided, multiple submitters, no conflicts (2 of 4 stars). 7 submissions from 7 submitters: Benign (5); Likely benign (1). 1 of the submissions does not count toward it. Last evaluated 2026-08-01.

Conditions:
Mitochondrial trifunctional protein deficiency. Identifiers: Orphanet 746, MedGen C1969443, MONDO:0012172.
Long chain 3-hydroxyacyl-CoA dehydrogenase deficiency. Also called: LCHAD Deficiency; Deficiency of long-chain 3-hydroxyacyl-coenzyme A dehydrogenase. Identifiers: Orphanet 5, MedGen C3711645, MONDO:0012173, OMIM 609016.

Allele frequency attached by ClinVar (database versions not stated): gnomAD exomes 0.00079; ExAC 0.00100; 1000 Genomes Project 0.00260; 1000 Genomes Project 30x 0.00281; gnomAD 0.00323 and 0.00349; TOPMed 0.00335; ESP Exome Variant Server 0.00384.
gnomAD v4.1: 1,008 of 1,614,060 alleles (0.062%); highest among the groups gnomAD compares: African/African-American, 1.2%; 9 homozygotes.

Submissions (7):

CeGaT Center for Human Genetics Tuebingen
Classification: Likely benign. Last evaluated: 2026-08-01. Review status: criteria provided, single submitter. Criteria: CeGaT Center For Human Genetics Tuebingen Variant Classification Criteria Version 2. Collection method: clinical testing. Allele origin: germline. Affected: yes. Observed: 3 variant alleles.
Comment: HADHA: BP4, BS1

Labcorp Genetics (formerly Invitae), Labcorp
Classification: Benign for Mitochondrial trifunctional protein deficiency; Long chain 3-hydroxyacyl-CoA dehydrogenase deficiency. Last evaluated: 2026-02-02. Review status: criteria provided, single submitter. Criteria: Invitae Variant Classification Sherloc (09022015). Collection method: clinical testing. Allele origin: germline.

Mayo Clinic Laboratories, Mayo Clinic
Classification: Benign. Last evaluated: 2025-03-25. Review status: criteria provided, single submitter. Criteria: ACMG Guidelines, 2015. Collection method: clinical testing. Allele origin: germline. Observed: 7 variant alleles.
Comment: BS1, BS2

Fulgent Genetics
Classification: Benign for Mitochondrial trifunctional protein deficiency 1; Long chain 3-hydroxyacyl-CoA dehydrogenase deficiency. Last evaluated: 2021-08-05. Review status: criteria provided, single submitter. Criteria: ACMG Guidelines, 2015. Collection method: clinical testing. Allele origin: unknown.

Genetic Services Laboratory, University of Chicago
Classification: Benign. Last evaluated: 2019-10-24. Review status: criteria provided, single submitter. Criteria: ACMG Guidelines, 2015. Collection method: clinical testing. Allele origin: germline. Affected: no.

GeneDx
Classification: Benign. Last evaluated: 2019-06-21. Review status: criteria provided, single submitter. Criteria: GeneDx Variant Classification Process June 2021. Collection method: clinical testing. Allele origin: germline. Affected: yes.

Natera, Inc.
Classification: Benign for Deficiency of long-chain 3-hydroxyacyl-coenzyme A dehydrogenase. Last evaluated: 2019-10-28. Review status: no assertion criteria provided. Collection method: clinical testing. Allele origin: germline. Not counted in ClinVar's aggregate classification.

NM_000182.5(HADHA):c.1843A>G (p.Asn615Asp)

Genes: HADHA (hydroxyacyl-CoA dehydrogenase trifunctional multienzyme complex subunit alpha; minus strand), GAREM2 (GRB2 associated regulator of MAPK1 subtype 2; plus strand). Cytogenetic location: 2p23.3.
Variant type: single nucleotide variant.
Coding change: c.1843A>G on transcript NM_000182.5 (MANE Select); coding-DNA position 1843, A replaced by G.
Protein change: p.Asn615Asp; replaces asparagine 615 with aspartic acid.
Molecular consequence: missense variant.
Genome position (GRCh38, 1-based): chr2:26,193,619, T>C on the plus strand (A>G on the coding strand, the complement: HADHA is on the minus strand). VCF-style: chr2-26193619-T-C. GRCh37 (hg19) VCF-style: chr2-26416488-T-C.
Other names: p.Asn615Asp; short protein forms N615D.
Identifiers: ClinVar variation 449769 (VCV000449769.44), dbSNP rs61731155, ClinGen allele CA1559448.